The following is an entry in ClinVar:

ClinVar aggregate classification (germline): Uncertain significance (1 of 4 stars; one submission).

Conditions:
Generalized epilepsy-paroxysmal dyskinesia syndrome (PNKD3). Also called: Paroxysmal nonkinesigenic dyskinesia, 3, with or without generalized epilepsy; Generalized epilepsy and paroxysmal dyskinesia. Identifiers: Orphanet 79137, MedGen C5574945, MONDO:0012276, OMIM 609446.

Allele frequency attached by ClinVar (database versions not stated): gnomAD exomes below 0.00001.

Submission:

Labcorp Genetics (formerly Invitae), Labcorp
Classification: Uncertain significance for Generalized epilepsy-paroxysmal dyskinesia syndrome. Last evaluated: 2022-07-13. Review status: criteria provided, single submitter. Criteria: Invitae Variant Classification Sherloc (09022015). Collection method: clinical testing. Allele origin: germline.
Comment: This sequence change replaces methionine, which is neutral and non-polar, with isoleucine, which is neutral and non-polar, at codon 989 of the KCNMA1 protein (p.Met989Ile). In summary, the available evidence is currently insufficient to determine the role of this variant in disease. Therefore, it has been classified as a Variant of Uncertain Significance. Algorithms developed to predict the effect of missense changes on protein structure and function are either unavailable or do not agree on the potential impact of this missense change (SIFT: "Deleterious"; PolyPhen-2: "Benign"; Align-GVGD: "Class C0"). This variant has not been reported in the literature in individuals affected with KCNMA1-related conditions. This variant is not present in population databases (gnomAD no frequency).

NM_001161352.2(KCNMA1):c.3141G>A (p.Met1047Ile)

Genes: KCNMA1 (potassium calcium-activated channel subfamily M alpha 1; minus strand), KCNMA1-AS1 (KCNMA1 antisense RNA 1; plus strand). Cytogenetic location: 10q22.3.
Variant type: single nucleotide variant.
Coding change: c.3141G>A on transcript NM_001161352.2 (MANE Select); coding-DNA position 3141, G replaced by A.
Protein change: p.Met1047Ile; replaces methionine 1047 with isoleucine.
Molecular consequence: missense variant.
Genome position (GRCh38, 1-based): chr10:76,909,972, C>T on the plus strand (G>A on the coding strand, the complement: KCNMA1 is on the minus strand). VCF-style: chr10-76909972-C-T. GRCh37 (hg19) VCF-style: chr10-78669730-C-T.
Other names: c.2979G>A, p.Met993Ile (NM_001014797.3); c.3090G>A, p.Met1030Ile (NM_001161353.2); c.2817G>A, p.Met939Ile (NM_001271518.2); c.3057G>A, p.Met1019Ile (NM_001271519.2); c.2976G>A, p.Met992Ile (NM_001322829.2, NM_001322836.2); c.3069G>A, p.Met1023Ile (NM_001322830.2); c.2967G>A, p.Met989Ile (NM_001322832.2, NM_001410940.1, NM_002247.4); c.3060G>A, p.Met1020Ile (NM_001322835.2, NM_001322837.2); and 1 more; short protein forms M1019I, M1020I, M838I, M939I, M989I, M993I, M1030I, M1047I.
Identifiers: ClinVar variation 2007721 (VCV002007721.4), dbSNP rs2548849250, ClinGen allele CA377403719.